The following is an entry in ClinVar:

ClinVar aggregate classification (germline): Uncertain significance (1 of 4 stars; one submission).

Allele frequency attached by ClinVar (database versions not stated): gnomAD 0.00001; TOPMed 0.00002.
gnomAD v4.1: 26 of 1,614,098 alleles (0.0016%); highest among the groups gnomAD compares: East Asian, 0.031%; 2 homozygotes.

Submission:

CeGaT Center for Human Genetics Tuebingen
Classification: Uncertain significance. Last evaluated: 2022-11-01. Review status: criteria provided, single submitter. Criteria: CeGaT Center For Human Genetics Tuebingen Variant Classification Criteria Version 2. Collection method: clinical testing. Allele origin: germline. Affected: yes. Observed: 1 variant allele.
Comment: ATP2B2: PP2

NM_001001331.4(ATP2B2):c.182A>G (p.Lys61Arg)

Gene: ATP2B2 (ATPase plasma membrane Ca2+ transporting 2; minus strand). Cytogenetic location: 3p25.3.
Variant type: single nucleotide variant.
Coding change: c.182A>G on transcript NM_001001331.4 (MANE Select); coding-DNA position 182, A replaced by G.
Protein change: p.Lys61Arg; replaces lysine 61 with arginine.
Molecular consequence: missense variant.
Genome position (GRCh38, 1-based): chr3:10,449,362, T>C on the plus strand (A>G on the coding strand, the complement: ATP2B2 is on the minus strand). VCF-style: chr3-10449362-T-C. GRCh37 (hg19) VCF-style: chr3-10491046-T-C.
Other names: c.182A>G, p.Lys61Arg (NM_001330611.3, NM_001353564.1, NM_001363862.1 and 1 more transcripts); short protein forms K61R.
Identifiers: ClinVar variation 2653525 (VCV002653525.24), dbSNP rs772521297, ClinGen allele CA2254090.